The following is an entry in ClinVar:

ClinVar aggregate classification (germline): Pathogenic/Likely pathogenic. Review status: criteria provided, multiple submitters, no conflicts (2 of 4 stars). 2 submissions from 2 submitters: Pathogenic (1); Likely pathogenic (1). Last evaluated 2022-07-12.

Conditions:
PDE6B-related disorder. Also called: PDE6B-related disorders; PDE6B-related disease; PDE6B-related condition.

Allele frequency attached by ClinVar (database versions not stated): TOPMed below 0.00001.

Submissions (2):

Labcorp Genetics (formerly Invitae), Labcorp
Classification: Pathogenic. Last evaluated: 2022-07-12. Review status: criteria provided, single submitter. Criteria: Invitae Variant Classification Sherloc (09022015). Collection method: clinical testing. Allele origin: germline.
Comment: This variant has not been reported in the literature in individuals affected with PDE6B-related conditions. For these reasons, this variant has been classified as Pathogenic. ClinVar contains an entry for this variant (Variation ID: 1371337). This variant is not present in population databases (gnomAD no frequency). This sequence change creates a premature translational stop signal (p.Leu27Glnfs*3) in the PDE6B gene. It is expected to result in an absent or disrupted protein product. Loss-of-function variants in PDE6B are known to be pathogenic (PMID: 8394174, 8595886, 22334370).

Blueprint Genetics
Classification: Likely pathogenic for PDE6B-related disorders. Last evaluated: 2021-03-27. Review status: criteria provided, single submitter. Criteria: ACMG Guidelines, 2015. Collection method: clinical testing. Allele origin: germline. Affected: yes. Observed: 1 variant allele.

Literature cited by the submitters: PubMed 8394174 (cited by Labcorp Genetics (formerly Invitae), Labcorp); PubMed 8595886 (cited by Labcorp Genetics (formerly Invitae), Labcorp); PubMed 22334370 (cited by Labcorp Genetics (formerly Invitae), Labcorp).

NM_000283.4(PDE6B):c.80_81del (p.Leu27fs)

Gene: PDE6B (phosphodiesterase 6B; plus strand). Cytogenetic location: 4p16.3.
Variant type: Deletion.
Coding change: c.80_81del on transcript NM_000283.4 (MANE Select); coding-DNA positions 80 to 81, 2 bases deleted (TG; older notation c.80_81delTG).
Protein change: p.Leu27fs; shifts the reading frame from leucine 27.
Molecular consequence: frameshift variant.
Genome position (GRCh38, 1-based): chr4:625,706-625,707, TG deleted. VCF-style (leftmost placement, unchanged base first): chr4-625705-CTG-C. GRCh37 (hg19) VCF-style: chr4-619494-CTG-C.
Other names: c.80_81del, p.Leu27fs (NM_001145291.2); short protein forms L27fs.
Identifiers: ClinVar variation 1371337 (VCV001371337.7), dbSNP rs1734053435, ClinGen allele CA1432821591.